The following is an entry in ClinVar:

NM_006912.6(RIT1):c.268A>G (p.Met90Val)

Gene: RIT1 (Ras like without CAAX 1; minus strand). Cytogenetic location: 1q22.
Variant type: single nucleotide variant.
Coding change: c.268A>G on transcript NM_006912.6 (MANE Select); coding-DNA position 268, A replaced by G.
Protein change: p.Met90Val; replaces methionine 90 with valine.
Molecular consequence: missense variant.
Genome position (GRCh38, 1-based): chr1:155,904,472, T>C on the plus strand (A>G on the coding strand, the complement: RIT1 is on the minus strand). VCF-style: chr1-155904472-T-C. GRCh37 (hg19) VCF-style: chr1-155874263-T-C.
Other names: NM_006912.6(RIT1):c.268A>G; p.Met90Val; c.160A>G, p.Met54Val (NM_001256820.2); c.319A>G, p.Met107Val (NM_001256821.2); c.268A>G, p.Met90Val (LRG_1372t1); short protein forms M90V, M107V, M54V.
Identifiers: ClinVar variation 561681 (VCV000561681.42), dbSNP rs1557960039, ClinGen allele CA342802812.

ClinVar aggregate classification (germline): Pathogenic. Review status: reviewed by expert panel (3 of 4 stars). 19 submissions from 19 submitters: Pathogenic (1). 18 of the submissions do not count toward it. Last evaluated 2024-09-17.

Conditions:
RIT1-related disorder. Also called: RIT1-related condition.
Noonan syndrome 8 (NS8). Identifiers: Orphanet 648, MedGen C3809233, MONDO:0014143, OMIM 615355.
RASopathy. Also called: rasopathies; Noonan spectrum disorder. Identifiers: Orphanet 536391, MedGen C5555857, MONDO:0021060.
Fetal anomalies with a likely genetic cause.
Noonan syndrome (NS). Also called: Noonan's syndrome. Identifiers: Orphanet 648, MedGen C0028326, MeSH D009634, MONDO:0018997. Disease mechanism: gain of function.
Noonan syndrome and Noonan-related syndrome. Identifiers: Orphanet 98733, MedGen C5681679, MONDO:0020297.

Submissions 1 to 12 of 19:

ClinGen RASopathy Variant Curation Expert Panel
Classification: Pathogenic for RASopathy. Last evaluated: 2024-09-17. Review status: reviewed by expert panel. Criteria: ClinGen RASopathy ACMG Specifications RIT1 V2.1.0. Collection method: curation. Allele origin: germline. Inheritance: Autosomal dominant inheritance.
Comment: The c.268A>G (p.Met90Val) variant in RIT1 was absent from both versions of gnomAD (PM2_Supporting). The p.Met90Val variant has been observed in at least 7 probands with a RASopathy or clinical features of a RASopathy (PS4_Moderate; PMID: 27109146, 30712878, 30293990, 32304219, Hopital Robert Debre internal data ClinVar SCV001438552.1, GeneDx internal data ClinVar SCV000808482.1). Of note, the majority of these were fetal cases. It has been reported as a de novo occurrence with parental confirmation in 3 probands and without confirmation in 3 probands (PS2_VeryStrong). Computational prediction tools and conservation analysis suggest that the p.Met90Val variant may impact the protein (PP3). ERK1/2 phosphorylation assays in HEK293T cells showed elevated and prolonged ERK1/2 phosphorylation indicating that this variant impacts protein function (PMID:29734338; PS3_Supporting). In summary, this variant meets criteria to be classified as pathogenic for RASopathies in an autosomal dominant manner. Rasopathy-specific ACMG/AMP criteria applied: PS2_VeryStrong, PS4_Moderate, PM2_Supporting, PP3, PS3_supporting (Version 2.1; 09/27/24).

Genetics Laboratory, Great Ormond Street Hospital NHS Foundation Trust, North Thames Genomic Laboratory Hub
Classification: Pathogenic for Fetal anomalies with a likely genetic cause. Last evaluated: 2026-03-30. Review status: criteria provided, single submitter. Criteria: ACGS Best Practice Guidelines for Variant Classification in Rare Disease 2024 v1.2. Collection method: clinical testing. Allele origin: germline. Affected: yes. Not counted in ClinVar's aggregate classification.
Comment: PS4_moderate, PM2_moderate, PP3_supporting, PM5_strong, PS3_supporting, PS2_very-strong

CeGaT Center for Human Genetics Tuebingen
Classification: Pathogenic. Last evaluated: 2025-12-01. Review status: criteria provided, single submitter. Criteria: CeGaT Center For Human Genetics Tuebingen Variant Classification Criteria Version 2. Collection method: clinical testing. Allele origin: germline. Affected: yes. Observed: 1 variant allele. Not counted in ClinVar's aggregate classification.
Comment: RIT1: PS2:Very Strong, PM2, PM5, PS4:Moderate

ARUP Laboratories, Molecular Genetics and Genomics, ARUP Laboratories
Classification: Pathogenic for Noonan syndrome 8. Last evaluated: 2025-06-30. Review status: criteria provided, single submitter. Criteria: ARUP Molecular Germline Variant Investigation Process 2024. Collection method: clinical testing. Allele origin: germline. Not counted in ClinVar's aggregate classification.
Comment: The RIT1 c.268A>G, p.Met90Val variant is reported de novo in the literature in multiple individuals affected with Noonan syndrome (Bercher 2020, Miceikaite 2021, Milosavljevic 2016). This variant is also reported in ClinVar (Variation ID: 561681) and is absent from the Genome Aggregation Database, indicating it is not a common polymorphism. Additionally, another variant at this codon (p.Met90Ile) has been reported in individuals with Noonan syndrome and is considered pathogenic (Aoki 2013, Gos 2014). Computational analyses predict that this variant is deleterious (REVEL: 0.732). Based on available information, this variant is considered to be pathogenic. References: Aoki Y et al. Gain-of-function mutations in RIT1 cause Noonan syndrome, a RAS/MAPK pathway syndrome. Am J Hum Genet. 2013 Jul 11;93(1):173-80. PMID: 23791108. Becher N et al. Implementation of exome sequencing in fetal diagnostics-Data and experiences from a tertiary center in Denmark. Acta Obstet Gynecol Scand. 2020 Jun;99(6):783-790. PMID: 32304219. Gos M et al. Contribution of RIT1 mutations to the pathogenesis of Noonan syndrome: four new cases and further evidence of heterogeneity. Am J Med Genet A. 2014 Sep;164A(9):2310-6. PMID: 24939608. Miceikaite I et al. Prenatal cases with rare RIT1 variants causing severe fetal hydrops and death. Clin Case Rep. 2021 Jul 21;9(7):e04507.PMID: 34306696. Milosavljevic D et al. Two cases of RIT1 associated Noonan syndrome: Further delineation of the clinical phenotype and review of the literature. Am J Med Genet A. 2016 Jul;170(7):1874-80. PMID: 27109146.

Revvity Omics, Revvity
Classification: Pathogenic for Noonan syndrome 8. Last evaluated: 2025-06-23. Review status: criteria provided, single submitter. Criteria: ACMG Guidelines, 2015. Collection method: clinical testing. Allele origin: germline. Not counted in ClinVar's aggregate classification.

PreventionGenetics, part of Exact Sciences
Classification: Pathogenic for RIT1-related condition. Last evaluated: 2024-11-26. Review status: criteria provided, single submitter. Criteria: ACMG Guidelines, 2015. Collection method: clinical testing. Allele origin: germline. Not counted in ClinVar's aggregate classification.
Comment: The RIT1 c.319A>G variant is predicted to result in the amino acid substitution p.Met107Val. This variant has been reported to occur de novo in an individual with Noonan syndrome (referred to as p.Met90Val (NM_006912.5) in Milosavljević et al. 2016. PubMed ID: 27109146) and as de novo in three fetuses with features consistent with RIT1-related disease (Petrovski et al. 2019. PubMed ID: 30712878; referred to as c.268A>G or p.Met90Val (NM_006912.5) in Quinlan-Jones et al. 2019. PubMed ID: 30293990 and Becher et al. 2020. PubMed ID: 32304219). Additionally, different missense variants affecting the same amino acid (p.Met107Ile and p.Met107Thr, also known as p. Met90Ile and p.Met90Thr, respectively) have been reported to be causative for Noonan syndrome (Aoki et al. 2013. PubMed ID: 23791108; Gos et al. 2014. PubMed ID: 24939608; Li et al. 2019. PubMed ID: 31219622). This variant has not been reported in a large population database (gnomAD), indicating this variant is rare. This variant is interpreted as pathogenic.

Genome-Nilou Lab
Classification: Pathogenic for Noonan syndrome 8. Last evaluated: 2023-04-11. Review status: criteria provided, single submitter. Criteria: ACMG Guidelines, 2015. Collection method: clinical testing. Allele origin: germline. Affected: no. Not counted in ClinVar's aggregate classification.

Equipe Genetique des Anomalies du Developpement, Université de Bourgogne
Classification: Pathogenic for Noonan syndrome 8. Last evaluated: 2022-12-15. Review status: criteria provided, single submitter. Criteria: ACMG Guidelines, 2015. Collection method: clinical testing. Allele origin: de novo. Affected: yes. Not counted in ClinVar's aggregate classification.

GeneDx
Classification: Pathogenic. Last evaluated: 2022-12-01. Review status: criteria provided, single submitter. Criteria: GeneDx Variant Classification Process June 2021. Collection method: clinical testing. Allele origin: germline. Affected: yes. Not counted in ClinVar's aggregate classification.
Comment: Published functional studies have shown p.(M90V) results in increased ERK1/2 activation in response to serum activation compared to wild type (Meyer et al., 2018).; Not observed in large population cohorts (gnomAD); In silico analysis supports that this missense variant has a deleterious effect on protein structure/function; This variant is associated with the following publications: (PMID: 29565699, 30293990, 31324109, 30712878, 34306696, 27109146, 35595454, 36274670, 29734338, 32304219)

MGZ Medical Genetics Center
Classification: Pathogenic for Noonan syndrome 8. Last evaluated: 2022-06-24. Review status: criteria provided, single submitter. Criteria: ACMG Guidelines, 2015. Collection method: clinical testing. Allele origin: germline. Affected: yes. Observed: 2 variant alleles. Not counted in ClinVar's aggregate classification.
Comment: ACMG criteria applied: PS2, PS4, PS3_MOD, PM5, PM2_SUP, PP3

Mendelics
Classification: Pathogenic for Noonan syndrome 8. Last evaluated: 2022-05-04. Review status: criteria provided, single submitter. Criteria: Mendelics Assertion Criteria 2019. Collection method: clinical testing. Allele origin: germline. Not counted in ClinVar's aggregate classification.

Victorian Clinical Genetics Services, Murdoch Childrens Research Institute
Classification: Pathogenic for Noonan syndrome 8. Last evaluated: 2022-02-02. Review status: criteria provided, single submitter. Criteria: ACMG Guidelines, 2015. Collection method: clinical testing. Allele origin: germline. Inheritance: Autosomal dominant inheritance. Affected: yes. Not counted in ClinVar's aggregate classification.
Comment: Based on the classification scheme VCGS_Germline_v1.3.4, this variant is classified as Pathogenic. Following criteria are met: 0101 - Gain of function is a known mechanism of disease in this gene and is associated with Noonan syndrome 8, (MIM#615355). (I) 0107 - This gene is associated with autosomal dominant disease. (I) 0200 - Variant is predicted to result in a missense amino acid change from methionine to valine. (I) 0251 - This variant is heterozygous. (I) 0301 - Variant is absent from gnomAD (both v2 and v3). (SP) 0602 - Variant is located in a hotspot region or cluster of pathogenic variants (DECIPHER). (SP) 0701 - Other missense variants comparable to the one identified in this case have very strong previous evidence for pathogenicity. p.(Met90Ile) and p.(Met90Leu) have been reported in at least ten individuals with Noonan Syndrome (PMID: 27109146; ClinVar, internal VCGS cohort). (SP) 0801 - This variant has strong previous evidence of pathogenicity in unrelated individuals. It has been reported de novo in at least three individuals with Noonan Syndrome and consistently classified as pathogenic by diagnostic laboratories in ClinVar (PMID: 27109146, 34306696). (SP) 1208 - Inheritance information for this variant is not currently available in this individual. (I) Legend: (SP) - Supporting pathogenic, (I) - Information, (SB) - Supporting benign